The following is an entry in ClinVar:

NM_004333.6(BRAF):c.26_34del (p.Gly9_Gly11del)

Gene: BRAF (B-Raf proto-oncogene, serine/threonine kinase; minus strand). Cytogenetic location: 7q34.
Variant type: Deletion.
Coding change: c.26_34del on transcript NM_004333.6 (MANE Select); coding-DNA positions 26 to 34, 9 bases deleted (GTGGCGGCG; older notation c.26_34delGTGGCGGCG).
Protein change: p.Gly9_Gly11del.
Molecular consequence: inframe deletion.
Genome position (GRCh38, 1-based): chr7:140,924,670-140,924,678, CGCCGCCAC deleted on the plus strand (GTGGCGGCG on the coding strand, the reverse complement: BRAF is on the minus strand); deleting any 9 consecutive bases within chr7:140,924,670-140,924,679 gives the same sequence; the c. name uses the placement nearest the transcript's 3' end. VCF-style (leftmost placement, unchanged base first): chr7-140924669-GCGCCGCCAC-G. GRCh37 (hg19) VCF-style: chr7-140624469-GCGCCGCCAC-G.
Other names: c.26_34del, p.Gly9_Gly11del (NM_001354609.2, NM_001374244.1, NM_001374258.1 and 7 more transcripts).
Identifiers: ClinVar variation 2721903 (VCV002721903.3), dbSNP rs1563042581, ClinGen allele CA578391401.
Genomic context (GRCh38, chr7:140,924,669, plus strand): 5'-CCGGCGCCGGCGCCGGCCTCGGGCTCCATGTCCCCGTTGAACAGAGCCTGGCCCGGCTCC[GCGCCGCCAC>G]CACCGCCACCGCTCAGCGCCGCCATCTTATAACCGAGAGCCGGGGCCCGAGCGGCCGCTG-3'

ClinVar aggregate classification (germline): Uncertain significance (1 of 4 stars; one submission).

Conditions:
RASopathy. Also called: Noonan spectrum disorder; rasopathies. Identifiers: Orphanet 536391, MedGen C5555857, MONDO:0021060.

Submission:

Labcorp Genetics (formerly Invitae), Labcorp
Classification: Uncertain significance for RASopathy. Last evaluated: 2023-12-01. Review status: criteria provided, single submitter. Criteria: Invitae Variant Classification Sherloc (09022015). Collection method: clinical testing. Allele origin: germline.
Comment: This variant, c.26_34del, results in the deletion of 3 amino acid(s) of the BRAF protein (p.Gly9_Gly11del), but otherwise preserves the integrity of the reading frame. This variant is present in population databases (no rsID available, gnomAD 0.005%). This variant has not been reported in the literature in individuals affected with BRAF-related conditions. Experimental studies and prediction algorithms are not available or were not evaluated, and the functional significance of this variant is currently unknown. In summary, the available evidence is currently insufficient to determine the role of this variant in disease. Therefore, it has been classified as a Variant of Uncertain Significance.